The following is an entry in ClinVar:

NM_001040108.2(MLH3):c.1814C>G (p.Ser605Cys)

Gene: MLH3 (mutL homolog 3; minus strand). Cytogenetic location: 14q24.3.
Variant type: single nucleotide variant.
Coding change: c.1814C>G on transcript NM_001040108.2 (MANE Select); coding-DNA position 1814, C replaced by G.
Protein change: p.Ser605Cys; replaces serine 605 with cysteine.
Molecular consequence: missense variant.
Genome position (GRCh38, 1-based): chr14:75,047,842, G>C on the plus strand (C>G on the coding strand, the complement: MLH3 is on the minus strand). VCF-style: chr14-75047842-G-C. GRCh37 (hg19) VCF-style: chr14-75514545-G-C.
Other names: c.1814C>G, p.Ser605Cys (NM_014381.3); c.1814C>G (NM_001040108.1); short protein forms S605C.
Identifiers: ClinVar variation 1362332 (VCV001362332.7), dbSNP rs1892361991, ClinGen allele CA390444176.

ClinVar aggregate classification (germline): Uncertain significance. Review status: criteria provided, multiple submitters, no conflicts (2 of 4 stars). 2 submissions from 2 submitters: Uncertain significance (2). Last evaluated 2022-12-26.

Conditions:
Colorectal cancer, hereditary nonpolyposis, type 7. Identifiers: Orphanet 144, MedGen C1858380, MONDO:0013725, OMIM 614385.

Submissions (2):

Ambry Genetics
Classification: Uncertain significance. Last evaluated: 2022-12-26. Review status: criteria provided, single submitter. Criteria: Ambry Variant Classification Scheme 2023. Collection method: clinical testing. Allele origin: germline.
Comment: The p.S605C variant (also known as c.1814C>G), located in coding exon 1 of the MLH3 gene, results from a C to G substitution at nucleotide position 1814. The serine at codon 605 is replaced by cysteine, an amino acid with dissimilar properties. This amino acid position is conserved. In addition, the in silico prediction for this alteration is inconclusive. Since supporting evidence is limited at this time, the clinical significance of this alteration remains unclear.

Labcorp Genetics (formerly Invitae), Labcorp
Classification: Uncertain significance for Colorectal cancer, hereditary nonpolyposis, type 7. Last evaluated: 2021-08-12. Review status: criteria provided, single submitter. Criteria: Invitae Variant Classification Sherloc (09022015). Collection method: clinical testing. Allele origin: germline.
Comment: This sequence change replaces serine with cysteine at codon 605 of the MLH3 protein (p.Ser605Cys). The serine residue is weakly conserved and there is a moderate physicochemical difference between serine and cysteine. This variant is not present in population databases (ExAC no frequency). This variant has not been reported in the literature in individuals affected with MLH3-related conditions. Algorithms developed to predict the effect of missense changes on protein structure and function are either unavailable or do not agree on the potential impact of this missense change (SIFT: "Tolerated"; PolyPhen-2: "Probably Damaging"; Align-GVGD: "Class C0"). In summary, the available evidence is currently insufficient to determine the role of this variant in disease. Therefore, it has been classified as a Variant of Uncertain Significance.